The following is an entry in ClinVar:

NM_006431.3(CCT2):c.1372A>G (p.Ser458Gly)

Gene: CCT2 (chaperonin containing TCP1 subunit 2; plus strand). Cytogenetic location: 12q15.
Variant type: single nucleotide variant.
Coding change: c.1372A>G on transcript NM_006431.3 (MANE Select); coding-DNA position 1372, A replaced by G.
Protein change: p.Ser458Gly; replaces serine 458 with glycine.
Molecular consequence: missense variant.
Genome position (GRCh38, 1-based): chr12:69,598,358, A>G. VCF-style: chr12-69598358-A-G. GRCh37 (hg19) VCF-style: chr12-69992138-A-G.
Other names: c.1231A>G, p.Ser411Gly (NM_001198842.2); short protein forms S458G, S411G.
Identifiers: ClinVar variation 1940815 (VCV001940815.7), dbSNP rs552597117, ClinGen allele CA6680852.
Genomic context (GRCh38, chr12:69,598,358, plus strand): 5'-TACTTGTTTTCTTCATTTTCATAGTTGCCAACCATCATAGCTGACAATGCAGGCTATGAC[A>G]GTGCAGACCTGGTGGCACAGCTCAGGGCTGCTCACAGTGAAGGCAATACCACTGCTGGAT-3'
Protein context (NP_006422.1, residues 448-468): TIIADNAGYD[Ser458Gly]ADLVAQLRAA

ClinVar aggregate classification (germline): Uncertain significance. Review status: criteria provided, multiple submitters, no conflicts (2 of 4 stars). 2 submissions from 2 submitters: Uncertain significance (2). Last evaluated 2024-09-03.

Allele frequency attached by ClinVar (database versions not stated): gnomAD 0.00001; gnomAD exomes 0.00001; ExAC 0.00002; 1000 Genomes Project 30x 0.00016; 1000 Genomes Project 0.00020.
gnomAD v4.1: 4 of 1,603,134 alleles (0.00025%); highest among the groups gnomAD compares: South Asian, 0.0034%; no homozygotes.

Submissions (2):

Ambry Genetics
Classification: Uncertain significance. Last evaluated: 2024-09-03. Review status: criteria provided, single submitter. Criteria: Ambry Variant Classification Scheme 2023. Collection method: clinical testing. Allele origin: germline.

Labcorp Genetics (formerly Invitae), Labcorp
Classification: Uncertain significance. Last evaluated: 2024-05-17. Review status: criteria provided, single submitter. Criteria: Invitae Variant Classification Sherloc (09022015). Collection method: clinical testing. Allele origin: germline.
Comment: This sequence change replaces serine, which is neutral and polar, with glycine, which is neutral and non-polar, at codon 458 of the CCT2 protein (p.Ser458Gly). This variant is present in population databases (rs552597117, gnomAD 0.01%). This variant has not been reported in the literature in individuals affected with CCT2-related conditions. ClinVar contains an entry for this variant (Variation ID: 1940815). An algorithm developed to predict the effect of missense changes on protein structure and function (PolyPhen-2) suggests that this variant is likely to be tolerated. In summary, the available evidence is currently insufficient to determine the role of this variant in disease. Therefore, it has been classified as a Variant of Uncertain Significance.